The following is an entry in ClinVar:

ClinVar aggregate classification (germline): Likely benign. Review status: criteria provided, multiple submitters, no conflicts (2 of 4 stars). 3 submissions from 3 submitters: Likely benign (3). Last evaluated 2026-04-19.

Conditions:
VPS13B-related disorder. Also called: VPS13B-related condition.
Cohen syndrome (COH1). Also called: Cutis verticis gyrata, retinitis pigmentosa, and sensorineural deafness; PEPPER SYNDROME. Identifiers: Orphanet 193, MedGen C0265223, MONDO:0008999, OMIM 216550.
Inborn genetic diseases. Identifiers: MedGen C0950123, MeSH D030342.

Allele frequency attached by ClinVar (database versions not stated): gnomAD exomes below 0.00001 and 0.00001; TOPMed below 0.00001; gnomAD 0.00002.
gnomAD v4.1: 17 of 1,614,246 alleles (0.0011%); highest among the groups gnomAD compares: African/African-American, 0.012%; no homozygotes.

Submissions (3):

PreventionGenetics, part of Exact Sciences
Classification: Likely benign for VPS13B-related condition. Last evaluated: 2026-04-19. Review status: criteria provided, single submitter. Criteria: ACMG Guidelines, 2015. Collection method: clinical testing. Allele origin: germline.
Comment: This variant is classified as likely benign based on ACMG/AMP sequence variant interpretation guidelines (Richards et al. 2015 PMID: 25741868, with internal and published modifications).

Labcorp Genetics (formerly Invitae), Labcorp
Classification: Likely benign for Cohen syndrome. Last evaluated: 2025-08-21. Review status: criteria provided, single submitter. Criteria: Invitae Variant Classification Sherloc (09022015). Collection method: clinical testing. Allele origin: germline.

Ambry Genetics
Classification: Likely benign for Inborn genetic diseases. Last evaluated: 2017-10-13. Review status: criteria provided, single submitter. Criteria: Ambry Variant Classification Scheme 2023. Collection method: clinical testing. Allele origin: germline.

NM_152564.5(VPS13B):c.10527A>G (p.Glu3509=)

Gene: VPS13B (vacuolar protein sorting 13 homolog B; plus strand). Cytogenetic location: 8q22.2.
Variant type: single nucleotide variant.
Coding change: c.10527A>G on transcript NM_152564.5 (MANE Select); coding-DNA position 10527, A replaced by G.
Protein change: p.Glu3509=; no amino-acid change (glutamic acid 3509 retained).
Molecular consequence: synonymous variant.
Genome position (GRCh38, 1-based): chr8:99,853,916, A>G. VCF-style: chr8-99853916-A-G. GRCh37 (hg19) VCF-style: chr8-100866144-A-G.
Other names: c.10602A>G, p.Glu3534= (NM_017890.5); c.10527A>G (NM_152564.4).
Identifiers: ClinVar variation 766607 (VCV000766607.13), dbSNP rs113120767, ClinGen allele CA182314479.
Genomic context (GRCh38, chr8:99,853,916, plus strand): 5'-CATCCTCTGTGATATTAATGAGTTCAGCTTTGAATTAAAACCTGCTCGGTTATACGTGGA[A>G]GACACATTTGTATACTACATCAAGACTTTGTTTGACACCTACCTTCCTAACAGCAGGTTG-3'
Protein context (NP_689777.3, residues 3499-3519): FELKPARLYV[Glu3509=]DTFVYYIKTL